The following is an entry in ClinVar:

NM_014391.3(ANKRD1):c.651+5T>C

Gene: ANKRD1 (ankyrin repeat domain 1; minus strand). Cytogenetic location: 10q23.31.
Variant type: single nucleotide variant.
Coding change: c.651+5T>C on transcript NM_014391.3 (MANE Select); 5 bases into the intron after coding-DNA position 651, T replaced by C.
Molecular consequence: intron variant.
Genome position (GRCh38, 1-based): chr10:90,916,166, A>G on the plus strand (T>C on the coding strand, the complement: ANKRD1 is on the minus strand). VCF-style: chr10-90916166-A-G. GRCh37 (hg19) VCF-style: chr10-92675923-A-G.
Identifiers: ClinVar variation 1753965 (VCV001753965.2), dbSNP rs757357185, ClinGen allele CA5598676.

ClinVar aggregate classification (germline): Uncertain significance (1 of 4 stars; one submission).

Conditions:
Cardiovascular phenotype. Identifiers: MedGen CN230736.

Allele frequency attached by ClinVar (database versions not stated): gnomAD exomes below 0.00001; ExAC 0.00001; gnomAD 0.00001.
gnomAD v4.1: 2 of 1,607,476 alleles (0.00012%); highest among the groups gnomAD compares: Non-Finnish European, 0.00017%; no homozygotes.

Submission:

Ambry Genetics
Classification: Uncertain significance for Cardiovascular phenotype. Last evaluated: 2022-07-19. Review status: criteria provided, single submitter. Criteria: Ambry Variant Classification Scheme 2023. Collection method: clinical testing. Allele origin: germline.
Comment: The c.651+5T>C intronic variant results from a T to C substitution 5 nucleotides after coding exon 6 in the ANKRD1 gene. This nucleotide position is not well conserved in available vertebrate species. In silico splice site analysis predicts that this alteration will not have any significant effect on splicing. The evidence for this gene-disease relationship is limited; therefore, the clinical significance of this alteration is unclear.